The following is an entry in ClinVar:

NM_000275.3(OCA2):c.1705A>C (p.Thr569Pro)

Gene: OCA2 (OCA2 melanosomal transmembrane protein; minus strand). Cytogenetic location: 15q13.1.
Variant type: single nucleotide variant.
Coding change: c.1705A>C on transcript NM_000275.3 (MANE Select); coding-DNA position 1705, A replaced by C.
Protein change: p.Thr569Pro; replaces threonine 569 with proline.
Molecular consequence: missense variant.
Genome position (GRCh38, 1-based): chr15:27,957,667, T>G on the plus strand (A>C on the coding strand, the complement: OCA2 is on the minus strand). VCF-style: chr15-27957667-T-G. GRCh37 (hg19) VCF-style: chr15-28202813-T-G.
Other names: c.1633A>C, p.Thr545Pro (NM_001300984.2); c.1705A>C (NM_000275.2); short protein forms T569P, T545P.
Identifiers: ClinVar variation 1386030 (VCV001386030.7), dbSNP rs2140704912, ClinGen allele CA391365815.
Genomic context (GRCh38, chr15:27,957,667, plus strand): 5'-TCCGGGCGAGCAGGTGCTCCAGTGCCAGCACCTTCCCCAGCAGCAGGCGGCGCACAGCTG[T>G]CTCCTCGCGGCTGGCCGGGCTGATGCGCTGAGCAGTCAGGCGCCAGACGTGAATCTCGTG-3'
Protein context (NP_000266.2, residues 559-579): QRISPASREE[Thr569Pro]AVRRLLLGKV

ClinVar aggregate classification (germline): Uncertain significance. Review status: criteria provided, multiple submitters, no conflicts (2 of 4 stars). 2 submissions from 2 submitters: Uncertain significance (2). Last evaluated 2024-05-29.

Conditions:
Inborn genetic diseases. Identifiers: MedGen C0950123, MeSH D030342.

Submissions (2):

Ambry Genetics
Classification: Uncertain significance for Inborn genetic diseases. Last evaluated: 2024-05-29. Review status: criteria provided, single submitter. Criteria: Ambry Variant Classification Scheme 2023. Collection method: clinical testing. Allele origin: germline.

Labcorp Genetics (formerly Invitae), Labcorp
Classification: Uncertain significance. Last evaluated: 2022-06-04. Review status: criteria provided, single submitter. Criteria: Invitae Variant Classification Sherloc (09022015). Collection method: clinical testing. Allele origin: germline.
Comment: Advanced modeling of protein sequence and biophysical properties (such as structural, functional, and spatial information, amino acid conservation, physicochemical variation, residue mobility, and thermodynamic stability) performed at Invitae indicates that this missense variant is expected to disrupt OCA2 protein function. In summary, the available evidence is currently insufficient to determine the role of this variant in disease. Therefore, it has been classified as a Variant of Uncertain Significance. ClinVar contains an entry for this variant (Variation ID: 1386030). This variant has not been reported in the literature in individuals affected with OCA2-related conditions. This variant is not present in population databases (gnomAD no frequency). This sequence change replaces threonine, which is neutral and polar, with proline, which is neutral and non-polar, at codon 569 of the OCA2 protein (p.Thr569Pro).